The following is an entry in ClinVar:

ClinVar aggregate classification (germline): Uncertain significance. Review status: criteria provided, multiple submitters, no conflicts (2 of 4 stars). 2 submissions from 2 submitters: Uncertain significance (2). Last evaluated 2026-09-10.

Conditions:
Charcot-Marie-Tooth disease axonal type 2V. Also called: CHARCOT-MARIE-TOOTH NEUROPATHY, TYPE 2V; CHARCOT-MARIE-TOOTH DISEASE, AXONAL, AUTOSOMAL DOMINANT, TYPE 2V. Identifiers: Orphanet 447964, MedGen C5569050, MONDO:0014665, OMIM 616491.
Mucopolysaccharidosis, MPS-III-B (MPS3B). Also called: SANFILIPPO SYNDROME B; MUCOPOLYSACCHARIDOSIS, TYPE IIIB; MPS III B; N-ACETYL-ALPHA-D-GLUCOSAMINIDASE DEFICIENCY; NAGLU DEFICIENCY; Mucopolysaccharidosis type IIIB (Sanfilippo B). Identifiers: Orphanet 79270, MedGen C0086648, MONDO:0009656, OMIM 252920.
Inborn genetic diseases. Identifiers: MedGen C0950123, MeSH D030342.

Allele frequency attached by ClinVar (database versions not stated): gnomAD 0.00001; TOPMed below 0.00001.

Submissions (2):

Ambry Genetics
Classification: Uncertain significance for Inborn genetic diseases. Last evaluated: 2026-09-10. Review status: criteria provided, single submitter. Criteria: Ambry Variant Classification Scheme 2023. Collection method: clinical testing. Allele origin: germline.

Labcorp Genetics (formerly Invitae), Labcorp
Classification: Uncertain significance for Charcot-Marie-Tooth disease axonal type 2V; Mucopolysaccharidosis, MPS-III-B. Last evaluated: 2022-08-16. Review status: criteria provided, single submitter. Criteria: Invitae Variant Classification Sherloc (09022015). Collection method: clinical testing. Allele origin: germline.
Comment: This sequence change replaces lysine, which is basic and polar, with arginine, which is basic and polar, at codon 59 of the NAGLU protein (p.Lys59Arg). This variant is present in population databases (no rsID available, gnomAD 0.01%). This variant has not been reported in the literature in individuals affected with NAGLU-related conditions. ClinVar contains an entry for this variant (Variation ID: 1368009). Advanced modeling of protein sequence and biophysical properties (such as structural, functional, and spatial information, amino acid conservation, physicochemical variation, residue mobility, and thermodynamic stability) performed at Invitae indicates that this missense variant is not expected to disrupt NAGLU protein function. Algorithms developed to predict the effect of sequence changes on RNA splicing suggest that this variant may create or strengthen a splice site. In summary, the available evidence is currently insufficient to determine the role of this variant in disease. Therefore, it has been classified as a Variant of Uncertain Significance.

NM_000263.4(NAGLU):c.176A>G (p.Lys59Arg)

Genes: NAGLU (N-acetyl-alpha-glucosaminidase; plus strand), LOC130060903 (ATAC-STARR-seq lymphoblastoid silent region 8533; plus strand). Cytogenetic location: 17q21.2.
Variant type: single nucleotide variant.
Coding change: c.176A>G on transcript NM_000263.4 (MANE Select); coding-DNA position 176, A replaced by G.
Protein change: p.Lys59Arg; replaces lysine 59 with arginine.
Molecular consequence: missense variant.
Genome position (GRCh38, 1-based): chr17:42,536,448, A>G. VCF-style: chr17-42536448-A-G. GRCh37 (hg19) VCF-style: chr17-40688466-A-G.
Other names: c.176A>G (NM_000263.3); short protein forms K59R.
Identifiers: ClinVar variation 1368009 (VCV001368009.4), dbSNP rs1217324478, ClinGen allele CA399595528.